The following is an entry in ClinVar:

NC_000004.12:g.(?_2812378)_(2820773_?)dup

Gene: SH3BP2 (SH3 domain binding protein 2; plus strand). Cytogenetic location: 4p16.3.
Variant type: Duplication.
Identifiers: ClinVar variation 833261 (VCV000833261.3).

ClinVar aggregate classification (germline): Uncertain significance (1 of 4 stars; one submission).

Conditions:
Fibrous dysplasia of jaw (CRBM). Also called: Cherubism. Identifiers: Orphanet 184, MedGen C0008029, MONDO:0007315, OMIM 118400.

Submission:

Labcorp Genetics (formerly Invitae), Labcorp
Classification: Uncertain significance for Fibrous dysplasia of jaw. Last evaluated: 2019-08-26. Review status: criteria provided, single submitter. Criteria: Invitae Variant Classification Sherloc (09022015). Collection method: clinical testing. Allele origin: germline.
Comment: In summary, the available evidence is currently insufficient to determine the role of this variant in disease. Therefore, it has been classified as a Variant of Uncertain Significance. This variant has not been reported in the literature in individuals with SH3BP2-related conditions. This variant results in a copy number gain of the genomic region encompassing exons 1-2 of the SH3BP2 gene, which includes the initiator codon. The 5' end of this event is unknown as it extends beyond the assayed region for this gene and therefore may encompass additional genes. The 3' boundary is likely confined to intron 2 of the SH3BP2 gene. As the precise location of this event is unknown, it may be in tandem or it may be located elsewhere in the genome.